The following is an entry in ClinVar:

NM_000384.3(APOB):c.6126G>A (p.Met2042Ile)

Gene: APOB (apolipoprotein B; minus strand). Cytogenetic location: 2p24.1.
Variant type: single nucleotide variant.
Coding change: c.6126G>A on transcript NM_000384.3 (MANE Select); coding-DNA position 6126, G replaced by A.
Protein change: p.Met2042Ile; replaces methionine 2042 with isoleucine.
Molecular consequence: missense variant.
Genome position (GRCh38, 1-based): chr2:21,010,742, C>T on the plus strand (G>A on the coding strand, the complement: APOB is on the minus strand). VCF-style: chr2-21010742-C-T. GRCh37 (hg19) VCF-style: chr2-21233614-C-T.
Other names: short protein forms M2042I.
Identifiers: ClinVar variation 2586170 (VCV002586170.4), dbSNP rs1663290144, ClinGen allele CA346002572.
Genomic context (GRCh38, chr2:21,010,742, plus strand): 5'-TTTATCATACTTTACAAAAGCAACAATTGTAAATTCTTGGGGCTTCTCAACGGCATCTCT[C>T]ATCTCTAAAGCATCAATGATATTGATGGGCTCACTGAGTAAAAGTGGCACTTTAATTGGG-3'
Protein context (NP_000375.3, residues 2032-2052): EPINIIDALE[Met2042Ile]RDAVEKPQEF

ClinVar aggregate classification (germline): Uncertain significance. Review status: criteria provided, multiple submitters, no conflicts (2 of 4 stars). 2 submissions from 2 submitters: Uncertain significance (2). Last evaluated 2024-09-11.

Conditions:
Familial hypobetalipoproteinemia 1. Also called: APOB-Related Familial Hypobetalipoproteinemia; Hypobetalipoproteinemia, normotriglyceridemic; Acanthocytosis with hypobetalipoproteinemia. Identifiers: MedGen C4551990, MONDO:0014252, OMIM 615558.
Hypercholesterolemia, autosomal dominant, type B (FHCL2). Also called: APOLIPOPROTEIN B-100, FAMILIAL DEFECTIVE; APOLIPOPROTEIN B-100, FAMILIAL LIGAND-DEFECTIVE; HYPERCHOLESTEROLEMIA, FAMILIAL, DUE TO LIGAND-DEFECTIVE APOLIPOPROTEIN B; Familial Hypercholesterolemia Type B; Familial hypercholesterolemia 2; APOB-Related Familial Hypercholesterolemia, Autosomal Dominant. Identifiers: MedGen C1704417, MONDO:0007751, OMIM 144010.
Cardiovascular phenotype. Identifiers: MedGen CN230736.

Allele frequency attached by ClinVar (database versions not stated): gnomAD exomes below 0.00001.
gnomAD v4.1: 1 of 1,614,062 alleles (0.000062%); highest among the groups gnomAD compares: African/African-American, 0.0013%; no homozygotes.

Submissions (2):

Labcorp Genetics (formerly Invitae), Labcorp
Classification: Uncertain significance for Familial hypobetalipoproteinemia 1; Hypercholesterolemia, autosomal dominant, type B. Last evaluated: 2024-09-11. Review status: criteria provided, single submitter. Criteria: Invitae Variant Classification Sherloc (09022015). Collection method: clinical testing. Allele origin: germline.
Comment: This sequence change replaces methionine, which is neutral and non-polar, with isoleucine, which is neutral and non-polar, at codon 2042 of the APOB protein (p.Met2042Ile). This variant is not present in population databases (gnomAD no frequency). This variant has not been reported in the literature in individuals affected with APOB-related conditions. ClinVar contains an entry for this variant (Variation ID: 2586170). Invitae Evidence Modeling of protein sequence and biophysical properties (such as structural, functional, and spatial information, amino acid conservation, physicochemical variation, residue mobility, and thermodynamic stability) indicates that this missense variant is not expected to disrupt APOB protein function with a negative predictive value of 95%. In summary, the available evidence is currently insufficient to determine the role of this variant in disease. Therefore, it has been classified as a Variant of Uncertain Significance.

Ambry Genetics
Classification: Uncertain significance for Cardiovascular phenotype. Last evaluated: 2023-07-26. Review status: criteria provided, single submitter. Criteria: Ambry Variant Classification Scheme 2023. Collection method: clinical testing. Allele origin: germline.
Comment: The p.M2042I variant (also known as c.6126G>A), located in coding exon 26 of the APOB gene, results from a G to A substitution at nucleotide position 6126. The methionine at codon 2042 is replaced by isoleucine, an amino acid with highly similar properties. This amino acid position is conserved. In addition, this alteration is predicted to be tolerated by in silico analysis. Since supporting evidence is limited at this time, the clinical significance of this alteration remains unclear.